The following is an entry in ClinVar:

NM_001164665.2(KIAA1549):c.5341C>G (p.Pro1781Ala)

Gene: KIAA1549 (KIAA1549; minus strand). Cytogenetic location: 7q34.
Variant type: single nucleotide variant.
Coding change: c.5341C>G on transcript NM_001164665.2 (MANE Select); coding-DNA position 5341, C replaced by G.
Protein change: p.Pro1781Ala; replaces proline 1781 with alanine.
Molecular consequence: missense variant.
Genome position (GRCh38, 1-based): chr7:138,844,428, G>C on the plus strand (C>G on the coding strand, the complement: KIAA1549 is on the minus strand). VCF-style: chr7-138844428-G-C. GRCh37 (hg19) VCF-style: chr7-138529173-G-C.
Other names: c.5341C>G, p.Pro1781Ala (NM_020910.3); short protein forms P1781A.
Identifiers: ClinVar variation 2192195 (VCV002192195.2), dbSNP rs753732686, ClinGen allele CA4505590.
Genomic context (GRCh38, chr7:138,844,428, plus strand): 5'-AGTAGATCCCTCTGGCAGCAAATGGGGCTTCGGCGGAGGCCTGTGGCTGCTGAGGGTCAG[G>C]GGGCACCAGCTCTGTAGACTGCAGCAAACCGGGGCCAAAACCTGGTCTGAAGGCAAAGCA-3'
Protein context (NP_001158137.1, residues 1771-1791): GLLQSTELVP[Pro1781Ala]DPQQPQASAE

ClinVar aggregate classification (germline): Uncertain significance (1 of 4 stars; one submission).

Allele frequency attached by ClinVar (database versions not stated): ExAC 0.00001; gnomAD exomes 0.00001.
gnomAD v4.1: 18 of 1,588,836 alleles (0.0011%); highest among the groups gnomAD compares: Non-Finnish European, 0.0015%; no homozygotes.

Submission:

Labcorp Genetics (formerly Invitae), Labcorp
Classification: Uncertain significance. Last evaluated: 2022-04-07. Review status: criteria provided, single submitter. Criteria: Invitae Variant Classification Sherloc (09022015). Collection method: clinical testing. Allele origin: germline.
Comment: In summary, the available evidence is currently insufficient to determine the role of this variant in disease. Therefore, it has been classified as a Variant of Uncertain Significance. Algorithms developed to predict the effect of missense changes on protein structure and function output the following: SIFT: "Deleterious"; PolyPhen-2: "Benign"; Align-GVGD: "Class C0". The alanine amino acid residue is found in multiple mammalian species, which suggests that this missense change does not adversely affect protein function. This sequence change replaces proline, which is neutral and non-polar, with alanine, which is neutral and non-polar, at codon 1781 of the KIAA1549 protein (p.Pro1781Ala). This variant is present in population databases (rs753732686, gnomAD 0.001%). This variant has not been reported in the literature in individuals affected with KIAA1549-related conditions.